The following is an entry in ClinVar:

NM_000540.3(RYR1):c.885C>A (p.Asp295Glu)

Gene: RYR1 (ryanodine receptor 1; plus strand). Cytogenetic location: 19q13.2.
Variant type: single nucleotide variant.
Coding change: c.885C>A on transcript NM_000540.3 (MANE Select); coding-DNA position 885, C replaced by A.
Protein change: p.Asp295Glu; replaces aspartic acid 295 with glutamic acid.
Molecular consequence: missense variant.
Genome position (GRCh38, 1-based): chr19:38,448,439, C>A. VCF-style: chr19-38448439-C-A. GRCh37 (hg19) VCF-style: chr19-38939079-C-A.
Other names: c.885C>A, p.Asp295Glu (NM_001042723.2); short protein forms D295E.
Identifiers: ClinVar variation 3075261 (VCV003075261.2), dbSNP rs2513995094, ClinGen allele CA405681892.

ClinVar aggregate classification (germline): Uncertain significance. Review status: criteria provided, multiple submitters, no conflicts (2 of 4 stars). 2 submissions from 2 submitters: Uncertain significance (2). Last evaluated 2026-06-03.

Conditions:
Malignant hyperthermia, susceptibility to, 1 (MHS1). Also called: Malignant hyperthermia suceptibility 1; RYR1-Related Malignant Hyperthermia Susceptibility; Anesthesia related hyperthermia; Malignant hyperpyrexia; Fulminating hyperpyrexia; Pharmacogenic myopathy. Identifiers: Orphanet 423, MedGen C2930980, MONDO:0007783, OMIM 145600.
RYR1-related disorder. Also called: RYR1-related condition; RYR1-related disorders. Identifiers: MedGen CN239331.

Allele frequency attached by ClinVar (database versions not stated): gnomAD exomes below 0.00001.
gnomAD v4.1: 1 of 1,613,840 alleles (0.000062%); highest among the groups gnomAD compares: Non-Finnish European, 0.000085%; no homozygotes.

Submissions (2):

PreventionGenetics, part of Exact Sciences
Classification: Uncertain significance for RYR1-related condition. Last evaluated: 2026-06-03. Review status: criteria provided, single submitter. Criteria: ACMG Guidelines, 2015. Collection method: clinical testing. Allele origin: germline.
Comment: The RYR1 c.885C>A variant is predicted to result in the amino acid substitution p.Asp295Glu. To our knowledge, this variant has not been reported in the literature or in a large population database (gnomAD), indicating this variant is rare. At this time, the clinical significance of this variant is uncertain due to the absence of conclusive functional and genetic evidence.

All of Us Research Program, National Institutes of Health
Classification: Uncertain significance for Malignant hyperthermia, susceptibility to, 1. Last evaluated: 2024-01-03. Review status: criteria provided, single submitter. Criteria: ACMG Guidelines, 2015. Collection method: clinical testing. Allele origin: germline. Inheritance: Autosomal dominant inheritance. Observed: 1 variant allele, 1 heterozygote.
Comment: This missense variant replaces aspartic acid with glutamic acid at codon 295 of the RYR1 protein. Computational prediction suggests that this variant may not impact protein structure and function (internally defined REVEL score threshold <= 0.5, PMID: 27666373). To our knowledge, functional studies have not been reported for this variant. This variant has not been reported in individuals affected with RYR1-related disorders in the literature. This variant has not been identified in the general population by the Genome Aggregation Database (gnomAD). The available evidence is insufficient to determine the role of this variant in disease conclusively. Therefore, this variant is classified as a Variant of Uncertain Significance.

This study involves interpretation of variants in research participants for the purpose of population health screening. Participant phenotype was not available at the time of variant classification. Additional details can be found in publication PMID: 35346344, PMCID: PMC8962531